The following is an entry in ClinVar:

ClinVar aggregate classification (germline): Uncertain significance. Review status: criteria provided, multiple submitters, no conflicts (2 of 4 stars). 2 submissions from 2 submitters: Uncertain significance (2). Last evaluated 2024-05-07.

Allele frequency attached by ClinVar (database versions not stated): ExAC 0.00001; gnomAD exomes 0.00001; TOPMed 0.00002; gnomAD 0.00005.

Submissions (2):

Labcorp Genetics (formerly Invitae), Labcorp
Classification: Uncertain significance. Last evaluated: 2024-05-07. Review status: criteria provided, single submitter. Criteria: Invitae Variant Classification Sherloc (09022015). Collection method: clinical testing. Allele origin: germline.
Comment: This sequence change replaces tyrosine, which is neutral and polar, with cysteine, which is neutral and slightly polar, at codon 418 of the ZNF408 protein (p.Tyr418Cys). This variant is present in population databases (rs766284372, gnomAD 0.004%). This variant has not been reported in the literature in individuals affected with ZNF408-related conditions. An algorithm developed to predict the effect of missense changes on protein structure and function (PolyPhen-2) suggests that this variant is likely to be disruptive. In summary, the available evidence is currently insufficient to determine the role of this variant in disease. Therefore, it has been classified as a Variant of Uncertain Significance.

Blueprint Genetics
Classification: Uncertain significance. Last evaluated: 2019-11-19. Review status: criteria provided, single submitter. Criteria: ACMG Guidelines, 2015. Collection method: clinical testing. Allele origin: germline.

NM_024741.3(ZNF408):c.1253A>G (p.Tyr418Cys)

Gene: ZNF408 (zinc finger protein 408; plus strand). Cytogenetic location: 11p11.2.
Variant type: single nucleotide variant.
Coding change: c.1253A>G on transcript NM_024741.3 (MANE Select); coding-DNA position 1253, A replaced by G.
Protein change: p.Tyr418Cys; replaces tyrosine 418 with cysteine.
Molecular consequence: missense variant.
Genome position (GRCh38, 1-based): chr11:46,704,953, A>G. VCF-style: chr11-46704953-A-G. GRCh37 (hg19) VCF-style: chr11-46726503-A-G.
Other names: c.1229A>G, p.Tyr410Cys (NM_001184751.2); short protein forms Y410C, Y418C.
Identifiers: ClinVar variation 3003615 (VCV003003615.4), dbSNP rs766284372, ClinGen allele CA5966521.